The following is an entry in ClinVar:

NM_004655.4(AXIN2):c.1946C>T (p.Ala649Val)

Gene: AXIN2 (axin 2; minus strand). Cytogenetic location: 17q24.1.
Variant type: single nucleotide variant.
Coding change: c.1946C>T on transcript NM_004655.4 (MANE Select); coding-DNA position 1946, C replaced by T.
Protein change: p.Ala649Val; replaces alanine 649 with valine.
Molecular consequence: missense variant.
Genome position (GRCh38, 1-based): chr17:65,536,515, G>A on the plus strand (C>T on the coding strand, the complement: AXIN2 is on the minus strand). VCF-style: chr17-65536515-G-A. GRCh37 (hg19) VCF-style: chr17-63532633-G-A.
Other names: c.1751C>T, p.Ala584Val (NM_001363813.1); short protein forms A649V, A584V.
Identifiers: ClinVar variation 850640 (VCV000850640.11), dbSNP rs1307386989, ClinGen allele CA400676277.

ClinVar aggregate classification (germline): Uncertain significance. Review status: criteria provided, multiple submitters, no conflicts (2 of 4 stars). 3 submissions from 3 submitters: Uncertain significance (3). Last evaluated 2026-04-30.

Conditions:
Oligodontia-cancer predisposition syndrome. Also called: TOOTH AGENESIS-COLORECTAL CANCER SYNDROME. Identifiers: Orphanet 300576, MedGen C1837750, MONDO:0012075, OMIM 608615. Disease mechanism: loss of function.
Colorectal cancer. Also called: Malignant Colorectal Neoplasm; Colorectal cancer, somatic. Identifiers: MedGen C0346629, MONDO:0005575, OMIM 114500.
Hereditary cancer-predisposing syndrome. Also called: Tumor predisposition; Neoplastic Syndromes, Hereditary; Hereditary neoplastic syndrome; Hereditary Cancer Syndrome. Identifiers: Orphanet 140162, MedGen C0027672, MeSH D009386, MONDO:0015356.

Allele frequency attached by ClinVar (database versions not stated): TOPMed below 0.00001; gnomAD 0.00001.
gnomAD v4.1: 1 of 1,613,740 alleles (0.000062%); highest among the groups gnomAD compares: Non-Finnish European, 0.000085%; no homozygotes.

Submissions (3):

Ambry Genetics
Classification: Uncertain significance for Hereditary cancer-predisposing syndrome. Last evaluated: 2026-04-30. Review status: criteria provided, single submitter. Criteria: Ambry Variant Classification Scheme 2023. Collection method: clinical testing. Allele origin: germline.
Comment: The p.A649V variant (also known as c.1946C>T), located in coding exon 7 of the AXIN2 gene, results from a C to T substitution at nucleotide position 1946. The alanine at codon 649 is replaced by valine, an amino acid with similar properties. This amino acid position is not well conserved in available vertebrate species. In addition, this alteration is predicted to be tolerated by in silico analysis. Based on the available evidence, the clinical significance of this variant remains unclear.

Labcorp Genetics (formerly Invitae), Labcorp
Classification: Uncertain significance for Oligodontia-cancer predisposition syndrome. Last evaluated: 2025-06-02. Review status: criteria provided, single submitter. Criteria: Invitae Variant Classification Sherloc (09022015). Collection method: clinical testing. Allele origin: germline.
Comment: This sequence change replaces alanine, which is neutral and non-polar, with valine, which is neutral and non-polar, at codon 649 of the AXIN2 protein (p.Ala649Val). This variant is not present in population databases (gnomAD no frequency). This variant has not been reported in the literature in individuals affected with AXIN2-related conditions. ClinVar contains an entry for this variant (Variation ID: 850640). Invitae Evidence Modeling of protein sequence and biophysical properties (such as structural, functional, and spatial information, amino acid conservation, physicochemical variation, residue mobility, and thermodynamic stability) indicates that this missense variant is not expected to disrupt AXIN2 protein function with a negative predictive value of 80%. In summary, the available evidence is currently insufficient to determine the role of this variant in disease. Therefore, it has been classified as a Variant of Uncertain Significance.

Fulgent Genetics
Classification: Uncertain significance for Colorectal cancer; Oligodontia-cancer predisposition syndrome. Last evaluated: 2024-03-13. Review status: criteria provided, single submitter. Criteria: ACMG Guidelines, 2015. Collection method: clinical testing. Allele origin: germline.